The following is an entry in ClinVar:

NM_004453.4(ETFDH):c.1281_1282del (p.Ile428fs)

Gene: ETFDH (electron transfer flavoprotein dehydrogenase; plus strand). Cytogenetic location: 4q32.1.
Variant type: Deletion.
Coding change: c.1281_1282del on transcript NM_004453.4 (MANE Select); coding-DNA positions 1281 to 1282, 2 bases deleted (AA; older notation c.1281_1282delAA).
Protein change: p.Ile428fs; shifts the reading frame from isoleucine 428.
Molecular consequence: frameshift variant.
Genome position (GRCh38, 1-based): chr4:158,703,587-158,703,588, AA deleted. VCF-style (leftmost placement, unchanged base first): chr4-158703586-CAA-C. GRCh37 (hg19) VCF-style: chr4-159624738-CAA-C.
Other names: c.1140_1141del, p.Ile381fs (NM_001281737.2); c.1098_1099del, p.Ile367fs (NM_001281738.1); short protein forms I367fs, I428fs, I381fs.
Identifiers: ClinVar variation 2203585 (VCV002203585.5), dbSNP rs1233725939, ClinGen allele CA789733853.

ClinVar aggregate classification (germline): Pathogenic. Review status: criteria provided, multiple submitters, no conflicts (2 of 4 stars). 2 submissions from 2 submitters: Pathogenic (2). Last evaluated 2023-03-26.

Conditions:
Multiple acyl-CoA dehydrogenase deficiency (MADD). Also called: ETHYLMALONIC-ADIPICACIDURIA; GA II; Glutaric aciduria, type 2; Glutaric acidemia type II; GA 2; Glutaric Acidemia type 2. Identifiers: Orphanet 26791, MedGen C0268596, MONDO:0009282, OMIM 231680.

Allele frequency attached by ClinVar (database versions not stated): TOPMed below 0.00001.

Submissions (2):

Labcorp Genetics (formerly Invitae), Labcorp
Classification: Pathogenic for Multiple acyl-CoA dehydrogenase deficiency. Last evaluated: 2023-03-26. Review status: criteria provided, single submitter. Criteria: Invitae Variant Classification Sherloc (09022015). Collection method: clinical testing. Allele origin: germline.
Comment: For these reasons, this variant has been classified as Pathogenic. ClinVar contains an entry for this variant (Variation ID: 2203585). This variant is also known as c.1281_1282del p.433*. This premature translational stop signal has been observed in individual(s) with multiple acyl-CoA dehydrogenase deficiency (PMID: 23628458). This variant is not present in population databases (gnomAD no frequency). This sequence change creates a premature translational stop signal (p.Ile428Argfs*6) in the ETFDH gene. It is expected to result in an absent or disrupted protein product. Loss-of-function variants in ETFDH are known to be pathogenic (PMID: 16510302, 23785301).

Juno Genomics, Hangzhou Juno Genomics, Inc
Classification: Pathogenic for Multiple acyl-CoA dehydrogenase deficiency. Review status: criteria provided, single submitter. Criteria: ACMG Guidelines, 2015. Collection method: clinical testing. Allele origin: germline. Affected: yes.
Comment: Absent from controls (or at extremely low frequency if recessive) in Genome Aggregation Database, Exome Sequencing Project, 1000 Genomes Project, or Exome Aggregation Consortium.;Null variant in a gene where loss of function (LOF) is a known mechanism of disease.;For recessive disorders, detected in trans with a pathogenic variant.;Patient's phenotype or family history is highly specific for a disease with a single genetic etiology.

Literature cited by the submitters: PubMed 23628458 (cited by Labcorp Genetics (formerly Invitae), Labcorp); PubMed 16510302 (cited by Labcorp Genetics (formerly Invitae), Labcorp); PubMed 23785301 (cited by Labcorp Genetics (formerly Invitae), Labcorp).